The following is an entry in ClinVar:

NM_001754.5(RUNX1):c.270G>A (p.Val90=)

Gene: RUNX1 (RUNX family transcription factor 1; minus strand). Cytogenetic location: 21q22.12.
Variant type: single nucleotide variant.
Coding change: c.270G>A on transcript NM_001754.5 (MANE Select); coding-DNA position 270, G replaced by A.
Protein change: p.Val90=; no amino-acid change (valine 90 retained).
Molecular consequence: synonymous variant.
Genome position (GRCh38, 1-based): chr21:34,886,924, C>T on the plus strand (G>A on the coding strand, the complement: RUNX1 is on the minus strand). VCF-style: chr21-34886924-C-T. GRCh37 (hg19) VCF-style: chr21-36259221-C-T.
Other names: NM_001754.5(RUNX1):c.270G>A; p.Val90=; c.189G>A, p.Val63= (NM_001001890.3, NM_001122607.2).
Identifiers: ClinVar variation 1116571 (VCV001116571.13), dbSNP rs2146409870, ClinGen allele CA512318868.
Genomic context (GRCh38, chr21:34,886,924, plus strand): 5'-CTTGTTGCAGCGCCAGTGCGTAGGCAGCACGGAGCAGAGGAAGTTGGGGCTGTCGGTGCG[C>T]ACCAGCTCGCCCGGGTGGTCGGCCAGCACCTCCACCATGCTGCGGTCGCCGCTCCTCAGC-3'
Protein context (NP_001745.2, residues 80-100): EVLADHPGEL[Val90=]RTDSPNFLCS

ClinVar aggregate classification (germline): Likely benign. Review status: reviewed by expert panel (3 of 4 stars). 2 submissions from 2 submitters: Likely benign (1). 1 of the submissions does not count toward it. Last evaluated 2026-05-04.

Conditions:
Hereditary thrombocytopenia and hematologic cancer predisposition syndrome. Identifiers: Orphanet 71290, MedGen CN281654, MONDO:0011071.
Hereditary thrombocytopenia and hematological cancer predisposition syndrome associated with RUNX1. Also called: Familial Platelet Disorder with Propensity to Acute Myelogenous Leukemia; Familial thrombocytopenia with propensity to acute myelogenous leukemia; PLATELET DISORDER, ASPIRIN-LIKE; RUNX1 Familial Platelet Disorder with Associated Myeloid Malignancies. Identifiers: Orphanet 71290, MedGen C1832388, MeSH C563324, MONDO:0100083, OMIM 601399.

Allele frequency attached by ClinVar (database versions not stated): gnomAD exomes below 0.00001.
gnomAD v4.1: 1 of 1,613,394 alleles (0.000062%); highest among the groups gnomAD compares: South Asian, 0.0011%; no homozygotes.

Submissions (2):

ClinGen Myeloid Malignancy Variant Curation Expert Panel
Classification: Likely benign for Hereditary thrombocytopenia and hematologic cancer predisposition syndrome. Last evaluated: 2026-05-04. Review status: reviewed by expert panel. Criteria: ClinGen MyeloMalig ACMG Specifications V3.1. Collection method: curation. Allele origin: germline. Inheritance: Autosomal dominant inheritance.
Comment: NM_001754.5(RUNX1):c.270G>A (p.Val90=) is a synonymous variant which has a MAF ≤ 0.00005 in gnomAD v4.0 across all subpopulations with at least 20X coverage for RUNX1 (PM2_supporting). This variant has a SpliceAI score ≤ 0.20 (0.14) (BP4, BP7). In summary, this variant meets criteria to be classified as likely benign. ACMG/AMP criteria applied, as specified by the Myeloid Malignancy Variant Curation Expert Panel for RUNX1: PM2_supporting, BP4, BP7.

Labcorp Genetics (formerly Invitae), Labcorp
Classification: Likely benign for Hereditary thrombocytopenia and hematological cancer predisposition syndrome associated with RUNX1. Last evaluated: 2022-01-26. Review status: criteria provided, single submitter. Criteria: Invitae Variant Classification Sherloc (09022015). Collection method: clinical testing. Allele origin: germline. Not counted in ClinVar's aggregate classification.